The following is an entry in ClinVar:

ClinVar aggregate classification (germline): Uncertain significance (1 of 4 stars; one submission).

Allele frequency attached by ClinVar (database versions not stated): TOPMed below 0.00001; gnomAD 0.00001.

Submission:

Ambry Genetics
Classification: Uncertain significance. Last evaluated: 2023-04-22. Review status: criteria provided, single submitter. Criteria: Ambry Variant Classification Scheme 2023. Collection method: clinical testing. Allele origin: germline.
Comment: The p.N91D variant (also known as c.271A>G), located in coding exon 1 of the TERF2IP gene, results from an A to G substitution at nucleotide position 271. The asparagine at codon 91 is replaced by aspartic acid, an amino acid with highly similar properties. This amino acid position is conserved. In addition, this alteration is predicted to be tolerated by in silico analysis. Since supporting evidence is limited at this time, the clinical significance of this alteration remains unclear.

NM_018975.4(TERF2IP):c.271A>G (p.Asn91Asp)

Gene: TERF2IP (TERF2 interacting protein; plus strand). Cytogenetic location: 16q23.1.
Variant type: single nucleotide variant.
Coding change: c.271A>G on transcript NM_018975.4 (MANE Select); coding-DNA position 271, A replaced by G.
Protein change: p.Asn91Asp; replaces asparagine 91 with aspartic acid.
Molecular consequence: missense variant. On other transcripts: non-coding transcript variant (1).
Genome position (GRCh38, 1-based): chr16:75,648,153, A>G. VCF-style: chr16-75648153-A-G. GRCh37 (hg19) VCF-style: chr16-75682051-A-G.
Other names: short protein forms N91D.
Identifiers: ClinVar variation 2561643 (VCV002561643.2), dbSNP rs1204646311, ClinGen allele CA396817567.
Genomic context (GRCh38, chr16:75,648,153, plus strand): 5'-CTGGCCGAGGCCTCGGGTGATTTCATCTCCACGCAGTACATCCTGGACTGCGTGGAGCGC[A>G]ACGAGAGGCTGGAGCTGGAGGCCTATCGGCTGGGCCCCGCCTCGGCGGCGGACACCGGCT-3'
Protein context (NP_061848.2, residues 81-101): TQYILDCVER[Asn91Asp]ERLELEAYRL